The following is an entry in ClinVar:

NC_000009.11:g.(?_6550783)_(6593010_?)del

Gene: GLDC (glycine decarboxylase; minus strand). Cytogenetic location: 9p24.1.
Variant type: Deletion.
Identifiers: ClinVar variation 3245148 (VCV003245148.1).

ClinVar aggregate classification (germline): Pathogenic (1 of 4 stars; one submission).

Conditions:
Glycine encephalopathy. Also called: Nonketotic hyperglycinemia; Non-ketotic hyperglycinemia. Identifiers: Orphanet 407, MedGen C0751748, MONDO:0011612, HP:0008288.

Submission:

Labcorp Genetics (formerly Invitae), Labcorp
Classification: Pathogenic for Glycine encephalopathy. Last evaluated: 2023-10-03. Review status: criteria provided, single submitter. Criteria: Invitae Variant Classification Sherloc (09022015). Collection method: clinical testing. Allele origin: unknown.
Comment: This variant is a gross deletion of the genomic region encompassing exon(s) 10-21 of the GLDC gene. This variant would be expected to be in-frame, preserving the integrity of the reading frame. A similar copy number variant has been observed in individual(s) with nonketotic hyperglycinemia (PMID: 27362913). This variant disrupts a region of the GLDC protein in which other variant(s) (p.Thr830Met) have been determined to be pathogenic (PMID: 27362913). This suggests that this is a clinically significant region of the protein, and that variants that disrupt it are likely to be disease-causing. For these reasons, this variant has been classified as Pathogenic.

Literature cited by the submitters: PubMed 27362913.